The following is an entry in ClinVar:

NM_014491.4(FOXP2):c.1991C>T (p.Pro664Leu)

Gene: FOXP2 (forkhead box P2; plus strand). Cytogenetic location: 7q31.1.
Variant type: single nucleotide variant.
Coding change: c.1991C>T on transcript NM_014491.4 (MANE Select); coding-DNA position 1991, C replaced by T.
Protein change: p.Pro664Leu; replaces proline 664 with leucine.
Molecular consequence: missense variant. On other transcripts: non-coding transcript variant (2).
Genome position (GRCh38, 1-based): chr7:114,664,424, C>T. VCF-style: chr7-114664424-C-T. GRCh37 (hg19) VCF-style: chr7-114304479-C-T.
Other names: c.1988C>T, p.Pro663Leu (NM_001172766.3); c.2066C>T, p.Pro689Leu (NM_148898.4); c.2042C>T, p.Pro681Leu (NM_148900.4); short protein forms P663L, P664L, P681L, P689L.
Identifiers: ClinVar variation 1314861 (VCV001314861.2), dbSNP rs2129342891, ClinGen allele CA368966529.

ClinVar aggregate classification (germline): Uncertain significance (1 of 4 stars; one submission).

Submission:

GeneDx
Classification: Uncertain significance. Last evaluated: 2020-01-28. Review status: criteria provided, single submitter. Criteria: GeneDx Variant Classification Process June 2021. Collection method: clinical testing. Allele origin: germline. Affected: yes.
Comment: Not observed in large population cohorts (Lek et al., 2016); In silico analysis, which includes protein predictors and evolutionary conservation, supports a deleterious effect; Has not been previously published as pathogenic or benign to our knowledge